The following is an entry in ClinVar:

NM_001163435.3(TBCK):c.2154del (p.Lys718fs)

Gene: TBCK (TBC1 domain containing kinase; minus strand). Cytogenetic location: 4q24.
Variant type: Deletion.
Coding change: c.2154del on transcript NM_001163435.3 (MANE Select); coding-DNA position 2154, one base deleted (G; older notation c.2154delG).
Protein change: p.Lys718fs; shifts the reading frame from lysine 718.
Molecular consequence: frameshift variant.
Genome position (GRCh38, 1-based): chr4:106,171,176, C deleted on the plus strand (G on the coding strand, the reverse complement: TBCK is on the minus strand). VCF-style (leftmost placement, unchanged base first): chr4-106171175-GC-G. GRCh37 (hg19) VCF-style: chr4-107092332-GC-G.
Other names: NM_001163435.3(TBCK):c.2154del; p.Lys718fs; c.2154del, p.Lys718fs (NM_001163436.4); c.2037del, p.Lys679fs (NM_001163437.3); c.1638del, p.Lys546fs (NM_001290768.2); c.1965del, p.Lys655fs (NM_033115.5); short protein forms K546fs, K655fs, K679fs, K718fs.
Identifiers: ClinVar variation 1696868 (VCV001696868.5), dbSNP rs1176128034, ClinGen allele CA554049773.

ClinVar aggregate classification (germline): Pathogenic/Likely pathogenic. Review status: criteria provided, multiple submitters, no conflicts (2 of 4 stars). 3 submissions from 3 submitters: Pathogenic (2); Likely pathogenic (1). Last evaluated 2025-01-13.

Conditions:
Hypotonia, infantile, with psychomotor retardation and characteristic facies 3 (IHPRF3). Also called: TBCK-Related Neurodevelopmental Disorder. Identifiers: Orphanet 488632, MedGen C5567480, MONDO:0014823, OMIM 616900.

Allele frequency attached by ClinVar (database versions not stated): gnomAD exomes 0.00001; TOPMed 0.00001.

Submissions (3):

Broad Center for Mendelian Genomics, Broad Institute of MIT and Harvard
Classification: Likely pathogenic for Hypotonia, infantile, with psychomotor retardation and characteristic facies 3. Last evaluated: 2025-01-13. Review status: criteria provided, single submitter. Criteria: ACMG Guidelines, 2015. Collection method: curation. Allele origin: germline. Inheritance: Autosomal recessive inheritance.
Comment: The p.Lys718AsnfsTer35 variant in TBCK has not been previously reported in the literature in individuals with TBCK-related intellectual disability syndrome, but has been identified in 0.002% (1/59794) of Latino/Admixed American chromosomes by the Genome Aggregation Database (gnomAD; dbSNP ID: rs1176128034). Although this variant has been seen in the general population in a heterozygous state, its frequency is low enough to be consistent with a recessive carrier frequency. This variant has also been reported in ClinVar (Variation ID: 1696868) and has been interpreted as pathogenic by Invitae and GeneDx. This variant is predicted to cause a frameshift, which alters the protein‚Äôs amino acid sequence beginning at position 718 and leads to a premature termination codon 35 amino acids downstream. This alteration is then predicted to lead to a truncated or absent protein. Loss of function of the TBCK gene is an established disease mechanism in autosomal recessive TBCK-related intellectual disability syndrome. In summary, although additional studies are required to fully establish its clinical significance, this variant is likely pathogenic for autosomal recessive TBCK-related intellectual disability syndrome. ACMG/AMP Criteria applied: PVS1, PM2 _supporting (Richards 2015).

GeneDx
Classification: Pathogenic. Last evaluated: 2022-07-12. Review status: criteria provided, single submitter. Criteria: GeneDx Variant Classification Process June 2021. Collection method: clinical testing. Allele origin: germline. Affected: yes.
Comment: Frameshift variant predicted to result in protein truncation or nonsense mediated decay in a gene for which loss of function is a known mechanism of disease; Not observed at significant frequency in large population cohorts (gnomAD); Has not been previously published as pathogenic or benign to our knowledge

Labcorp Genetics (formerly Invitae), Labcorp
Classification: Pathogenic. Last evaluated: 2022-06-13. Review status: criteria provided, single submitter. Criteria: Invitae Variant Classification Sherloc (09022015). Collection method: clinical testing. Allele origin: germline.
Comment: This variant has not been reported in the literature in individuals affected with TBCK-related conditions. For these reasons, this variant has been classified as Pathogenic. This variant is present in population databases (no rsID available, gnomAD 0.003%). This sequence change creates a premature translational stop signal (p.Lys718Asnfs*35) in the TBCK gene. It is expected to result in an absent or disrupted protein product. Loss-of-function variants in TBCK are known to be pathogenic (PMID: 27040692, 30103036).

Literature cited by the submitters: PubMed 27040692 (cited by Labcorp Genetics (formerly Invitae), Labcorp); PubMed 30103036 (cited by Labcorp Genetics (formerly Invitae), Labcorp).